The following is an entry in ClinVar:

NM_000320.3(QDPR):c.436+5G>C

Gene: QDPR (quinoid dihydropteridine reductase; minus strand). Cytogenetic location: 4p15.32.
Variant type: single nucleotide variant.
Coding change: c.436+5G>C on transcript NM_000320.3 (MANE Select); 5 bases into the intron after coding-DNA position 436, G replaced by C.
Molecular consequence: intron variant.
Genome position (GRCh38, 1-based): chr4:17,501,714, C>G on the plus strand (G>C on the coding strand, the complement: QDPR is on the minus strand). VCF-style: chr4-17501714-C-G. GRCh37 (hg19) VCF-style: chr4-17503337-C-G.
Other names: c.343+5G>C (NM_001306140.2).
Identifiers: ClinVar variation 1360951 (VCV001360951.4), dbSNP rs764651358, ClinGen allele CA549903562.

ClinVar aggregate classification (germline): Uncertain significance. Review status: criteria provided, multiple submitters, no conflicts (2 of 4 stars). 2 submissions from 2 submitters: Uncertain significance (2). Last evaluated 2021-11-22.

Conditions:
Dihydropteridine reductase deficiency (HPABH4C). Also called: BH4-Deficient Hyperphenylalaninemia C; DHPR DEFICIENCY; Phenylketonuria II; Hyperphenylalaninemia due to dihydropteridine reductase deficiency; Hyperphenylalaninemia, BH-4-deficient, C; Phenylketonuria type 2. Identifiers: Orphanet 226, Orphanet 238583, MedGen C0268465, MONDO:0009862, OMIM 261630.

Allele frequency attached by ClinVar (database versions not stated): TOPMed below 0.00001; gnomAD 0.00001.
gnomAD v4.1: 10 of 1,613,694 alleles (0.00062%); highest among the groups gnomAD compares: Non-Finnish European, 0.00076%; no homozygotes.

Submissions (2):

Blueprint Genetics
Classification: Uncertain significance. Last evaluated: 2021-11-22. Review status: criteria provided, single submitter. Criteria: ACMG Guidelines, 2015. Collection method: clinical testing. Allele origin: germline.

Labcorp Genetics (formerly Invitae), Labcorp
Classification: Uncertain significance for Dihydropteridine reductase deficiency. Last evaluated: 2020-12-28. Review status: criteria provided, single submitter. Criteria: Invitae Variant Classification Sherloc (09022015). Collection method: clinical testing. Allele origin: germline.
Comment: This sequence change falls in intron 4 of the QDPR gene. It does not directly change the encoded amino acid sequence of the QDPR protein. It affects a nucleotide within the consensus splice site of the intron. This variant is not present in population databases (ExAC no frequency). This variant has not been reported in the literature in individuals with QDPR-related conditions. Nucleotide substitutions within the consensus splice site are a relatively common cause of aberrant splicing (PMID: 17576681, 9536098). Algorithms developed to predict the effect of sequence changes on RNA splicing suggest that this variant may disrupt the consensus splice site, but this prediction has not been confirmed by published transcriptional studies. In summary, the available evidence is currently insufficient to determine the role of this variant in disease. Therefore, it has been classified as a Variant of Uncertain Significance.

Literature cited by the submitters: PubMed 17576681 (cited by Labcorp Genetics (formerly Invitae), Labcorp); PubMed 9536098 (cited by Labcorp Genetics (formerly Invitae), Labcorp).